The following is an entry in ClinVar:

ClinVar aggregate classification (germline): Pathogenic (1 of 4 stars; one submission).

Conditions:
Glycine encephalopathy. Also called: Nonketotic hyperglycinemia; Non-ketotic hyperglycinemia. Identifiers: Orphanet 407, MedGen C0751748, MONDO:0011612, HP:0008288.

Submission:

Labcorp Genetics (formerly Invitae), Labcorp
Classification: Pathogenic for Glycine encephalopathy. Last evaluated: 2022-10-27. Review status: criteria provided, single submitter. Criteria: Invitae Variant Classification Sherloc (09022015). Collection method: clinical testing. Allele origin: unknown.
Comment: For these reasons, this variant has been classified as Pathogenic. This variant has not been reported in the literature in individuals affected with GLDC-related conditions. This variant is a gross deletion of the genomic region encompassing exon(s) 10-15 of the GLDC gene. This deletion is out-of-frame, and is expected to create a premature termination codon and result in an absent or disrupted protein product. Loss-of-function variants in GLDC are known to be pathogenic (PMID: 16601880).

Literature cited by the submitters: PubMed 16601880.

NC_000009.11:g.(?_6587131)_(6593000_?)del

Gene: GLDC (glycine decarboxylase; minus strand). Cytogenetic location: 9p24.1.
Variant type: Deletion.
Identifiers: ClinVar variation 3245146 (VCV003245146.1).